The following is an entry in ClinVar:

ClinVar aggregate classification (germline): Pathogenic (1 of 4 stars; one submission).

Submission:

Labcorp Genetics (formerly Invitae), Labcorp
Classification: Pathogenic. Last evaluated: 2023-06-07. Review status: criteria provided, single submitter. Criteria: Invitae Variant Classification Sherloc (09022015). Collection method: clinical testing. Allele origin: germline.
Comment: This variant has not been reported in the literature in individuals affected with ATP6V0A4-related conditions. This variant disrupts a region of the ATP6V0A4 protein in which other variant(s) (p.Arg807Gln) have been determined to be pathogenic (PMID: 12414817, 23754897, 29202719). This suggests that this is a clinically significant region of the protein, and that variants that disrupt it are likely to be disease-causing. For these reasons, this variant has been classified as Pathogenic. This sequence change creates a premature translational stop signal (p.Glu797Glyfs*15) in the ATP6V0A4 gene. While this is not anticipated to result in nonsense mediated decay, it is expected to disrupt the last 44 amino acid(s) of the ATP6V0A4 protein. This variant is present in population databases (no rsID available, gnomAD 0.006%).

Literature cited by the submitters: PubMed 12414817; PubMed 23754897; PubMed 29202719.

NM_020632.3(ATP6V0A4):c.2390_2391del (p.Glu797fs)

Gene: ATP6V0A4 (ATPase H+ transporting V0 subunit a4; minus strand). Cytogenetic location: 7q34.
Variant type: Deletion.
Coding change: c.2390_2391del on transcript NM_020632.3 (MANE Select); coding-DNA positions 2390 to 2391, 2 bases deleted (AG; older notation c.2390_2391delAG).
Protein change: p.Glu797fs; shifts the reading frame from glutamic acid 797.
Molecular consequence: frameshift variant.
Genome position (GRCh38, 1-based): chr7:138,709,662-138,709,663, CT deleted on the plus strand (AG on the coding strand, the reverse complement: ATP6V0A4 is on the minus strand); deleting any 2 consecutive bases within chr7:138,709,662-138,709,664 gives the same sequence; the c. name uses the placement nearest the transcript's 3' end. VCF-style (leftmost placement, unchanged base first): chr7-138709661-CCT-C. GRCh37 (hg19) VCF-style: chr7-138394406-CCT-C.
Other names: c.2390_2391del, p.Glu797fs (NM_130840.3, NM_130841.3); short protein forms E797fs.
Identifiers: ClinVar variation 2779421 (VCV002779421.3), dbSNP rs1215780415, ClinGen allele CA578207668.